The following is an entry in ClinVar:

ClinVar aggregate classification (germline): Uncertain significance (1 of 4 stars; one submission).

Conditions:
NARS1-related disorder. Also called: NARS1-related condition.

Allele frequency attached by ClinVar (database versions not stated): gnomAD 0.00004; TOPMed 0.00004; gnomAD exomes 0.00005; ESP Exome Variant Server 0.00015.
gnomAD v4.1: 76 of 1,613,280 alleles (0.0047%); highest among the groups gnomAD compares: Non-Finnish European, 0.0059%; no homozygotes.

Submission:

PreventionGenetics, part of Exact Sciences
Classification: Uncertain significance for NARS1-related condition. Last evaluated: 2022-09-14. Review status: criteria provided, single submitter. Criteria: ACMG Guidelines, 2015. Collection method: clinical testing. Allele origin: germline.
Comment: The NARS1 c.412C>T variant is predicted to result in the amino acid substitution p.Arg138Cys. To our knowledge, this variant has not been reported in the literature. This variant is reported in 0.0070% of alleles in individuals of European (Non-Finnish) descent in gnomAD. At this time, the clinical significance of this variant is uncertain due to the absence of conclusive functional and genetic evidence.

NM_004539.4(NARS1):c.412C>T (p.Arg138Cys)

Gene: NARS1 (asparaginyl-tRNA synthetase 1; minus strand). Cytogenetic location: 18q21.31.
Variant type: single nucleotide variant.
Coding change: c.412C>T on transcript NM_004539.4 (MANE Select); coding-DNA position 412, C replaced by T.
Protein change: p.Arg138Cys; replaces arginine 138 with cysteine.
Molecular consequence: missense variant.
Genome position (GRCh38, 1-based): chr18:57,613,611, G>A on the plus strand (C>T on the coding strand, the complement: NARS1 is on the minus strand). VCF-style: chr18-57613611-G-A. GRCh37 (hg19) VCF-style: chr18-55280843-G-A.
Other names: short protein forms R138C.
Identifiers: ClinVar variation 2635992 (VCV002635992.1), dbSNP rs140827136, ClinGen allele CA300858272.
Genomic context (GRCh38, chr18:57,613,611, plus strand): 5'-AAGAGCAGGGATATTTAAACATTAAAAAGAAGGAAAAGCTTTGCCATTTACCTTGCCTGC[G>A]CAGCCTGTGGACCCAGCCAAACACCTTTACTCTTTGGCCTCTATATCCTTCTAACGCACC-3'
Protein context (NP_004530.1, residues 128-148): VKVFGWVHRL[Arg138Cys]RQGKNLMFLV